The following is an entry in ClinVar:

NM_001365536.1(SCN9A):c.2152G>A (p.Ala718Thr)

Genes: SCN9A (sodium voltage-gated channel alpha subunit 9; minus strand), SCN1A-AS1 (SCN1A and SCN9A antisense RNA 1; plus strand). Cytogenetic location: 2q24.3.
Variant type: single nucleotide variant.
Coding change: c.2152G>A on transcript NM_001365536.1 (MANE Select); coding-DNA position 2152, G replaced by A.
Protein change: p.Ala718Thr; replaces alanine 718 with threonine.
Molecular consequence: missense variant.
Genome position (GRCh38, 1-based): chr2:166,280,548, C>T on the plus strand (G>A on the coding strand, the complement: SCN9A is on the minus strand). VCF-style: chr2-166280548-C-T. GRCh37 (hg19) VCF-style: chr2-167137058-C-T.
Other names: c.2119G>A, p.Ala707Thr (NM_002977.4); short protein forms A718T, A707T.
Identifiers: ClinVar variation 958056 (VCV000958056.11), dbSNP rs1209373152, ClinGen allele CA349079853.

ClinVar aggregate classification (germline): Uncertain significance. Review status: criteria provided, multiple submitters, no conflicts (2 of 4 stars). 2 submissions from 2 submitters: Uncertain significance (2). Last evaluated 2025-02-12.

Conditions:
Generalized epilepsy with febrile seizures plus, type 7 (GEFSP7). Also called: GEFS+, TYPE 7. Identifiers: Orphanet 36387, MedGen C2751778, MONDO:0013470, OMIM 613863.
Neuropathy, hereditary sensory and autonomic, type 2A (HSAN2A). Also called: HSAN IIA; ACROOSTEOLYSIS, GIACCAI TYPE; ACROOSTEOLYSIS, NEUROGENIC; WNK1-Related HSAN2 (HSAN2A); MORVAN DISEASE; NEUROPATHY, CONGENITAL SENSORY. Identifiers: Orphanet 970, MedGen C2752089, MONDO:0024309, OMIM 201300.
Inborn genetic diseases. Identifiers: MedGen C0950123, MeSH D030342.

Allele frequency attached by ClinVar (database versions not stated): gnomAD exomes below 0.00001; TOPMed below 0.00001.
gnomAD v4.1: 2 of 1,590,972 alleles (0.00013%); highest among the groups gnomAD compares: Admixed American, 0.0035%; no homozygotes.

Submissions (2):

Ambry Genetics
Classification: Uncertain significance for Inborn genetic diseases. Last evaluated: 2025-02-12. Review status: criteria provided, single submitter. Criteria: Ambry Variant Classification Scheme 2023. Collection method: clinical testing. Allele origin: germline.

Labcorp Genetics (formerly Invitae), Labcorp
Classification: Uncertain significance for Neuropathy, hereditary sensory and autonomic, type 2A; Generalized epilepsy with febrile seizures plus, type 7. Last evaluated: 2024-04-27. Review status: criteria provided, single submitter. Criteria: Invitae Variant Classification Sherloc (09022015). Collection method: clinical testing. Allele origin: germline.
Comment: This sequence change replaces alanine, which is neutral and non-polar, with threonine, which is neutral and polar, at codon 707 of the SCN9A protein (p.Ala707Thr). The frequency data for this variant in the population databases is considered unreliable, as metrics indicate poor data quality at this position in the gnomAD database. This variant has not been reported in the literature in individuals affected with SCN9A-related conditions. ClinVar contains an entry for this variant (Variation ID: 958056). Advanced modeling of protein sequence and biophysical properties (such as structural, functional, and spatial information, amino acid conservation, physicochemical variation, residue mobility, and thermodynamic stability) performed at Invitae indicates that this missense variant is not expected to disrupt SCN9A protein function with a negative predictive value of 95%. In summary, the available evidence is currently insufficient to determine the role of this variant in disease. Therefore, it has been classified as a Variant of Uncertain Significance.